The following is an entry in ClinVar:

NM_016239.4(MYO15A):c.4320+1G>C

Gene: MYO15A (myosin XVA; plus strand). Cytogenetic location: 17p11.2.
Variant type: single nucleotide variant.
Coding change: c.4320+1G>C on transcript NM_016239.4 (MANE Select); the canonical splice donor site of the intron after coding-DNA position 4320, G replaced by C.
Molecular consequence: splice donor variant.
Genome position (GRCh38, 1-based): chr17:18,132,567, G>C. VCF-style: chr17-18132567-G-C. GRCh37 (hg19) VCF-style: chr17-18035881-G-C.
Identifiers: ClinVar variation 2760336 (VCV002760336.3), dbSNP rs779548541, ClinGen allele CA398593550.
Genomic context (GRCh38, chr17:18,132,567, plus strand): 5'-GCCCAGCTCAGGCAGGCCTTTAGCCTGCAAGAGGCTGAGACCTACTACTATCTGAACCAG[G>C]TGAGTGCCAGCAGGCATCTGAAGGCCCCTGGCCCTGGTCCTCCCACCCCGACGCCCCTGG-3'

ClinVar aggregate classification (germline): Pathogenic (1 of 4 stars; one submission).

Submission:

Labcorp Genetics (formerly Invitae), Labcorp
Classification: Pathogenic. Last evaluated: 2023-09-12. Review status: criteria provided, single submitter. Criteria: Invitae Variant Classification Sherloc (09022015). Collection method: clinical testing. Allele origin: germline.
Comment: For these reasons, this variant has been classified as Pathogenic. Algorithms developed to predict the effect of sequence changes on RNA splicing suggest that this variant may disrupt the consensus splice site. Disruption of this splice site has been observed in individual(s) with deafness (PMID: 23865914). It has also been observed to segregate with disease in related individuals. This variant is not present in population databases (gnomAD no frequency). This sequence change affects a donor splice site in intron 11 of the MYO15A gene. It is expected to disrupt RNA splicing. Variants that disrupt the donor or acceptor splice site typically lead to a loss of protein function (PMID: 16199547), and loss-of-function variants in MYO15A are known to be pathogenic (PMID: 17546645).

Literature cited by the submitters: PubMed 23865914; PubMed 16199547; PubMed 17546645.